The following is an entry in ClinVar:

ClinVar aggregate classification (germline): Pathogenic (1 of 4 stars; one submission).

Conditions:
Methylcobalamin deficiency type cblG (HMAG). Also called: HOMOCYSTINURIA-MEGALOBLASTIC ANEMIA, cblG TYPE; HOMOCYSTINURIA-MEGALOBLASTIC ANEMIA DUE TO DEFECT IN COBALAMIN METABOLISM, cblG COMPLEMENTATION TYPE; HOMOCYSTINURIA-MEGALOBLASTIC ANEMIA, cblG COMPLEMENTATION TYPE; Functional methionine synthase deficiency type cblG. Identifiers: Orphanet 2170, Orphanet 622, MedGen C1855128, MONDO:0009609, OMIM 250940.

Submission:

Labcorp Genetics (formerly Invitae), Labcorp
Classification: Pathogenic for Methylcobalamin deficiency type cblG. Last evaluated: 2023-04-24. Review status: criteria provided, single submitter. Criteria: Invitae Variant Classification Sherloc (09022015). Collection method: clinical testing. Allele origin: germline.
Comment: This sequence change creates a premature translational stop signal (p.Glu911Glyfs*4) in the MTR gene. It is expected to result in an absent or disrupted protein product. Loss-of-function variants in MTR are known to be pathogenic (PMID: 9683607, 12068375). This variant is not present in population databases (gnomAD no frequency). This variant has not been reported in the literature in individuals affected with MTR-related conditions. For these reasons, this variant has been classified as Pathogenic.

Literature cited by the submitters: PubMed 9683607; PubMed 12068375.

NM_000254.3(MTR):c.2731dup (p.Glu911fs)

Gene: MTR (5-methyltetrahydrofolate-homocysteine methyltransferase; plus strand). Cytogenetic location: 1q43.
Variant type: Duplication.
Coding change: c.2731dup on transcript NM_000254.3 (MANE Select); coding-DNA position 2731, one base duplicated (G; older notation c.2731dupG).
Protein change: p.Glu911fs; shifts the reading frame from glutamic acid 911.
Molecular consequence: frameshift variant.
Genome position (GRCh38, 1-based): chr1:236,885,175, G duplicated; the last of 2 consecutive G bases (chr1:236,885,174-236,885,175); duplicating either gives the same sequence. VCF-style (leftmost placement, unchanged base first): chr1-236885173-T-TG. GRCh37 (hg19) VCF-style: chr1-237048473-T-TG.
Other names: c.2578dup, p.Glu860fs (NM_001291939.1); c.1510dup, p.Glu504fs (NM_001291940.2); c.2542dup, p.Glu848fs (NM_001410942.1); short protein forms E504fs, E860fs, E911fs, E848fs.
Identifiers: ClinVar variation 2873527 (VCV002873527.3), dbSNP rs2528436006, ClinGen allele CA2574163112.
Genomic context (GRCh38, chr1:236,885,173, plus strand): 5'-ATTTTCAGTGTTCCCAGCTGTTAGATGAAAATCTAAAGGATGAATACTTTGAGGAAATCA[T>TG]GGAAGAATATGAAGATATTAGACAGGACCATTATGAGTCTCTCAAGGTAAGTGGTAGAAA-3'